The following is an entry in ClinVar:

ClinVar aggregate classification (germline): Uncertain significance. Review status: criteria provided, multiple submitters, no conflicts (2 of 4 stars). 4 submissions from 4 submitters: Uncertain significance (4). Last evaluated 2025-01-11.

Conditions:
Hereditary cancer-predisposing syndrome. Also called: Tumor predisposition; Hereditary neoplastic syndrome; Neoplastic Syndromes, Hereditary; Hereditary Cancer Syndrome. Identifiers: Orphanet 140162, MedGen C0027672, MeSH D009386, MONDO:0015356.
Intrauterine growth retardation, metaphyseal dysplasia, adrenal hypoplasia congenita, genital anomalies, and immunodeficiency. Also called: IMAGEI SYNDROME. Identifiers: MedGen C5193036, MONDO:0032684, OMIM 618336.
Colorectal cancer, susceptibility to, 12 (CRCS12). Also called: COLORECTAL CANCER, SUSCEPTIBILITY TO, ON CHROMOSOME 12q24. Identifiers: Orphanet 220460, MedGen C3554460, MONDO:0014038, OMIM 615083.
Facial dysmorphism-immunodeficiency-livedo-short stature syndrome. Also called: Facial dysmorphism, immunodeficiency, livedo, and short stature; FILS syndrome. Identifiers: Orphanet 352712, MedGen C3554576, MONDO:0014058, OMIM 615139.

Allele frequency attached by ClinVar (database versions not stated): TOPMed below 0.00001; gnomAD 0.00001.
gnomAD v4.1: 11 of 1,613,482 alleles (0.00068%); highest among the groups gnomAD compares: Non-Finnish European, 0.00076%; no homozygotes.

Submissions (4):

Labcorp Genetics (formerly Invitae), Labcorp
Classification: Uncertain significance. Last evaluated: 2025-01-11. Review status: criteria provided, single submitter. Criteria: Invitae Variant Classification Sherloc (09022015). Collection method: clinical testing. Allele origin: germline.
Comment: This sequence change replaces glycine, which is neutral and non-polar, with alanine, which is neutral and non-polar, at codon 904 of the POLE protein (p.Gly904Ala). This variant is not present in population databases (gnomAD no frequency). This variant has not been reported in the literature in individuals affected with POLE-related conditions. ClinVar contains an entry for this variant (Variation ID: 517178). Invitae Evidence Modeling of protein sequence and biophysical properties (such as structural, functional, and spatial information, amino acid conservation, physicochemical variation, residue mobility, and thermodynamic stability) indicates that this missense variant is not expected to disrupt POLE protein function with a negative predictive value of 80%. RNA analysis performed to evaluate the impact of this missense change on mRNA splicing indicates it does not significantly alter splicing (internal data). In summary, the available evidence is currently insufficient to determine the role of this variant in disease. Therefore, it has been classified as a Variant of Uncertain Significance.

Ambry Genetics
Classification: Uncertain significance for Hereditary cancer-predisposing syndrome. Last evaluated: 2024-12-23. Review status: criteria provided, single submitter. Criteria: Ambry Variant Classification Scheme 2023. Collection method: clinical testing. Allele origin: germline.
Comment: The p.G904A variant (also known as c.2711G>C), located in coding exon 24 of the POLE gene, results from a G to C substitution at nucleotide position 2711. The glycine at codon 904 is replaced by alanine, an amino acid with similar properties. This amino acid position is highly conserved in available vertebrate species. In addition, this alteration is predicted to be tolerated by in silico analysis. Based on the available evidence, the clinical significance of this variant remains unclear.

Fulgent Genetics
Classification: Uncertain significance for Colorectal cancer, susceptibility to, 12; Facial dysmorphism-immunodeficiency-livedo-short stature syndrome; Intrauterine growth retardation, metaphyseal dysplasia, adrenal hypoplasia congenita, genital anomalies, and immunodeficiency. Last evaluated: 2024-06-19. Review status: criteria provided, single submitter. Criteria: ACMG Guidelines, 2015. Collection method: clinical testing. Allele origin: germline.

Laboratory for Molecular Medicine, Mass General Brigham Personalized Medicine
Classification: Uncertain significance. Last evaluated: 2016-11-17. Review status: criteria provided, single submitter. Criteria: LMM Criteria. Collection method: clinical testing. Allele origin: germline. Observed: 1 variant allele.
Comment: The p.Gly904Ala variant in POLE has not been previously reported in individuals with colorectal cancer or in large population studies. Computational prediction tools and conservation analysis do not provide strong support for or against an impact to the protein. In summary, the clinical significance of the p.Gly904Ala variant is uncertain.

NM_006231.4(POLE):c.2711G>C (p.Gly904Ala)

Gene: POLE (DNA polymerase epsilon, catalytic subunit; minus strand). Cytogenetic location: 12q24.33.
Variant type: single nucleotide variant.
Coding change: c.2711G>C on transcript NM_006231.4 (MANE Select); coding-DNA position 2711, G replaced by C.
Protein change: p.Gly904Ala; replaces glycine 904 with alanine.
Molecular consequence: missense variant.
Genome position (GRCh38, 1-based): chr12:132,661,680, C>G on the plus strand (G>C on the coding strand, the complement: POLE is on the minus strand). VCF-style: chr12-132661680-C-G. GRCh37 (hg19) VCF-style: chr12-133238266-C-G.
Other names: short protein forms G904A.
Identifiers: ClinVar variation 517178 (VCV000517178.15), dbSNP rs1332965505, ClinGen allele CA387394065.